The following is an entry in ClinVar:

NM_006939.4(SOS2):c.1121C>A (p.Ala374Asp)

Gene: SOS2 (SOS Ras/Rho guanine nucleotide exchange factor 2; minus strand). Cytogenetic location: 14q21.3.
Variant type: single nucleotide variant.
Coding change: c.1121C>A on transcript NM_006939.4 (MANE Select); coding-DNA position 1121, C replaced by A.
Protein change: p.Ala374Asp; replaces alanine 374 with aspartic acid.
Molecular consequence: missense variant.
Genome position (GRCh38, 1-based): chr14:50,161,557, G>T on the plus strand (C>A on the coding strand, the complement: SOS2 is on the minus strand). VCF-style: chr14-50161557-G-T. GRCh37 (hg19) VCF-style: chr14-50628275-G-T.
Other names: short protein forms A374D.
Identifiers: ClinVar variation 1476896 (VCV001476896.6), dbSNP rs1447501425, ClinGen allele CA389646519.
Genomic context (GRCh38, chr14:50,161,557, plus strand): 5'-GGTGAATACTGCTTGTAAATTCGGTCCATGCTACCTTGGAGATTCATGAGAGCAGTAATA[G>T]CTTGGTTCAAACATTCTCTGTCTTCTTGTTCTTCACTACATGCTTTCAATTGCTAAGAAA-3'
Protein context (NP_008870.2, residues 364-384): EQEDRECLNQ[Ala374Asp]ITALMNLQGS

ClinVar aggregate classification (germline): Uncertain significance (1 of 4 stars; one submission).

Conditions:
Noonan syndrome 9 (NS9). Identifiers: Orphanet 648, MedGen C4225282, MONDO:0014691, OMIM 616559.

Allele frequency attached by ClinVar (database versions not stated): gnomAD 0.00001; TOPMed 0.00001.
gnomAD v4.1: 1 of 1,611,874 alleles (0.000062%); highest among the groups gnomAD compares: Non-Finnish European, 0.000085%; no homozygotes.

Submission:

Labcorp Genetics (formerly Invitae), Labcorp
Classification: Uncertain significance for Noonan syndrome 9. Last evaluated: 2022-03-24. Review status: criteria provided, single submitter. Criteria: Invitae Variant Classification Sherloc (09022015). Collection method: clinical testing. Allele origin: germline.
Comment: This sequence change replaces alanine, which is neutral and non-polar, with aspartic acid, which is acidic and polar, at codon 374 of the SOS2 protein (p.Ala374Asp). This variant is not present in population databases (gnomAD no frequency). In summary, the available evidence is currently insufficient to determine the role of this variant in disease. Therefore, it has been classified as a Variant of Uncertain Significance. Advanced modeling of protein sequence and biophysical properties (such as structural, functional, and spatial information, amino acid conservation, physicochemical variation, residue mobility, and thermodynamic stability) performed at Invitae indicates that this missense variant is expected to disrupt SOS2 protein function. This variant has not been reported in the literature in individuals affected with SOS2-related conditions.